The following is an entry in ClinVar:

NM_003227.4(TFR2):c.1770C>T (p.Asp590=)

Gene: TFR2 (transferrin receptor 2; minus strand). Cytogenetic location: 7q22.1.
Variant type: single nucleotide variant.
Coding change: c.1770C>T on transcript NM_003227.4 (MANE Select); coding-DNA position 1770, C replaced by T.
Protein change: p.Asp590=; no amino-acid change (aspartic acid 590 retained).
Molecular consequence: synonymous variant.
Genome position (GRCh38, 1-based): chr7:100,627,489, G>A on the plus strand (C>T on the coding strand, the complement: TFR2 is on the minus strand). VCF-style: chr7-100627489-G-A. GRCh37 (hg19) VCF-style: chr7-100225112-G-A.
Other names: c.1257C>T, p.Asp419= (NM_001206855.3).
Identifiers: ClinVar variation 21368 (VCV000021368.45), dbSNP rs35704760, ClinGen allele CA339731.

ClinVar aggregate classification (germline): Benign. Review status: criteria provided, multiple submitters, no conflicts (2 of 4 stars). 6 submissions from 6 submitters: Benign (4). 2 of the submissions do not count toward it. Last evaluated 2026-08-01.

Conditions:
Hemochromatosis type 3 (HFE3). Also called: TFR2-Related Hemochromatosis; Hereditary hemochromatosis type 3; HEMOCHROMATOSIS DUE TO DEFECT IN TRANSFERRIN RECEPTOR 2. Identifiers: Orphanet 225123, MedGen C1858664, MONDO:0011417, OMIM 604250.
Hereditary hemochromatosis (HFE). Identifiers: MedGen C0392514, MONDO:0006507. Disease mechanism: loss of function.

Allele frequency attached by ClinVar (database versions not stated): 1000 Genomes Project 0.00319; TOPMed 0.00282; ExAC 0.00845; ESP Exome Variant Server 0.00400; gnomAD 0.00188; 1000 Genomes Project 30x 0.00297.
gnomAD v4.1: 6,090 of 1,611,606 alleles (0.38%); highest among the groups gnomAD compares: South Asian, 1.4%; 84 homozygotes.

Submissions (6):

CeGaT Center for Human Genetics Tuebingen
Classification: Benign. Last evaluated: 2026-08-01. Review status: criteria provided, single submitter. Criteria: CeGaT Center For Human Genetics Tuebingen Variant Classification Criteria Version 2. Collection method: clinical testing. Allele origin: germline. Affected: yes. Observed: 4 variant alleles.
Comment: TFR2: BS1, BS2

Labcorp Genetics (formerly Invitae), Labcorp
Classification: Benign for Hereditary hemochromatosis. Last evaluated: 2026-02-03. Review status: criteria provided, single submitter. Criteria: Invitae Variant Classification Sherloc (09022015). Collection method: clinical testing. Allele origin: germline.

Illumina Laboratory Services, Illumina
Classification: Benign for Hemochromatosis type 3. Last evaluated: 2018-01-13. Review status: criteria provided, single submitter. Criteria: ICSL Variant Classification Criteria 13 December 2019. Collection method: clinical testing. Allele origin: germline.
Comment: This variant was observed in the ICSL laboratory as part of a predisposition screen in an ostensibly healthy population. It had not been previously curated by ICSL or reported in the Human Gene Mutation Database (HGMD: prior to June 1st, 2018), and was therefore a candidate for classification through an automated scoring system. Utilizing variant allele frequency, disease prevalence and penetrance estimates, and inheritance mode, an automated score was calculated to assess if this variant is too frequent to cause the disease. Based on the score and internal cut-off values, a variant classified as benign is not then subjected to further curation. The score for this variant resulted in a classification of benign for this disease.

Breakthrough Genomics
Classification: Benign. Review status: criteria provided, single submitter. Criteria: ACMG Guidelines, 2015. Collection method: not provided. Allele origin: germline. Inheritance: Autosomal recessive inheritance. Affected: yes.

Natera, Inc.
Classification: Benign for Hereditary hemochromatosis type 3. Last evaluated: 2020-09-16. Review status: no assertion criteria provided. Collection method: clinical testing. Allele origin: germline. Not counted in ClinVar's aggregate classification.

GeneReviews
No classification provided. Condition: Hemochromatosis type 3. Review status: no classification provided. Collection method: literature only. Allele origin: unknown. Not counted in ClinVar's aggregate classification.

Literature cited by the submitters: PubMed 11358389 (cited by GeneReviews); PubMed 20301523 (cited by GeneReviews); NCBI Bookshelf NBK1349 (cited by GeneReviews).